The following is an entry in ClinVar:

NM_020533.3(MCOLN1):c.329dup (p.Asp111fs)

Gene: MCOLN1 (mucolipin TRP cation channel 1; plus strand). Cytogenetic location: 19p13.2.
Variant type: Duplication.
Coding change: c.329dup on transcript NM_020533.3 (MANE Select); coding-DNA position 329, one base duplicated (C; older notation c.329dupC).
Protein change: p.Asp111fs; shifts the reading frame from aspartic acid 111.
Molecular consequence: frameshift variant.
Genome position (GRCh38, 1-based): chr19:7,526,530, C duplicated. VCF-style (leftmost placement, unchanged base first): chr19-7526529-T-TC. GRCh37 (hg19) VCF-style: chr19-7591415-T-TC.
Other names: short protein forms D111fs.
Identifiers: ClinVar variation 5015658 (VCV005015658.1).
Genomic context (GRCh38, chr19:7,526,529, plus strand): 5'-GCTGTGACATTCCGGGAAGAGAACACCATCGCCTTCCGACACCTCTTCCTGCTGGGCTAC[T>TC]CGGACGGAGCGGATGACACCTTCGCAGCCTACACGCGGGAGCAGCTGTACCAGGCCATCT-3'

ClinVar aggregate classification (germline): Pathogenic (1 of 4 stars; one submission).

Conditions:
Mucolipidosis type IV (ML4). Also called: ML IV. Identifiers: Orphanet 578, MedGen C0238286, MONDO:0009653, OMIM 252650.

Submission:

Myriad Genetics, Inc.
Classification: Pathogenic for Mucolipidosis type IV. Last evaluated: 2026-03-10. Review status: criteria provided, single submitter. Criteria: Myriad Autosomal Dominant, Autosomal Recessive and X-Linked Classification Criteria (2023). Collection method: clinical testing. Allele origin: unknown.
Comment: NM_020533.2(MCOLN1):c.329dupC(D111Gfs*5) is expected to be pathogenic in the context of mucolipidosis IV. This variant is predicted to lead to an abnormal or absent protein product due to the creation of a premature termination codon in MCOLN1, a gene where loss-of-function variants are known to be pathogenic. Please note: this variant was assessed in the context of healthy population screening.